The following is an entry in ClinVar:

ClinVar aggregate classification (germline): Pathogenic. Review status: criteria provided, multiple submitters, no conflicts (2 of 4 stars). 4 submissions from 4 submitters: Pathogenic (4). Last evaluated 2025-07-16.

Conditions:
Junctional epidermolysis bullosa gravis of Herlitz. Also called: EPIDERMOLYSIS BULLOSA, JUNCTIONAL 1B, SEVERE; EPIDERMOLYSIS BULLOSA JUNCTIONALIS, HERLITZ TYPE; EPIDERMOLYSIS BULLOSA, JUNCTIONAL, HERLITZ-PEARSON TYPE; JEB-HERLITZ TYPE; Herlitz-type junctional epidermolysis bullosa; Epidermolysis Bullosa Letalis. Identifiers: Orphanet 79404, MedGen C0079683, MONDO:0009182, OMIM 226700.
Junctional epidermolysis bullosa, non-Herlitz type. Also called: EPIDERMOLYSIS BULLOSA, JUNCTIONAL 1A, INTERMEDIATE; EPIDERMOLYSIS BULLOSA JUNCTIONALIS, DISENTIS TYPE; EPIDERMOLYSIS BULLOSA JUNCTIONALIS, NON-HERLITZ TYPE; EPIDERMOLYSIS BULLOSA JUNCTIONALIS, PROGRESSIVE; EPIDERMOLYSIS BULLOSA JUNCTIONALIS, SEVERE NONLETHAL; COL17A1-Related Junctional Epidermolysis Bullosa. Identifiers: Orphanet 251393, Orphanet 79402, Orphanet 79405, Orphanet 89840, MedGen C0268374, MONDO:0009180, OMIM 226650.
Amelogenesis imperfecta type 1A. Also called: AMELOGENESIS IMPERFECTA, HYPOPLASTIC TYPE IA; Amelogenesis imperfecta, type IA; Amelogenesis imperfecta, hypoplastic type; Amelogenesis imperfecta local hypoplastic. Identifiers: Orphanet 88661, MedGen C4011403, MONDO:0007094, OMIM 104530.
Junctional epidermolysis bullosa. Identifiers: Orphanet 305, MedGen C0079301, MONDO:0017612.

Allele frequency attached by ClinVar (database versions not stated): gnomAD exomes below 0.00001 and 0.00001; ExAC 0.00001.
gnomAD v4.1: 5 of 1,612,396 alleles (0.00031%); highest among the groups gnomAD compares: Admixed American, 0.005%; no homozygotes.

Submissions (4):

GeneDx
Classification: Pathogenic. Last evaluated: 2025-07-16. Review status: criteria provided, single submitter. Criteria: GeneDx Variant Classification Process June 2021. Collection method: clinical testing. Allele origin: germline. Affected: yes.
Comment: Canonical splice site variant predicted to result in an in-frame loss of the adjacent exon in a gene for which loss of function is a known mechanism of disease and functional studies suggest that variant results mainly in the skipping of exon 21 (PMID: 27480391); Not observed at significant frequency in large population cohorts (gnomAD); This variant is associated with the following publications: (PMID: 25525159, 39034598, 27480391, 11810295)

Labcorp Genetics (formerly Invitae), Labcorp
Classification: Pathogenic. Last evaluated: 2025-07-08. Review status: criteria provided, single submitter. Criteria: Invitae Variant Classification Sherloc (09022015). Collection method: clinical testing. Allele origin: germline.
Comment: This sequence change affects a donor splice site in intron 21 of the LAMB3 gene. It is expected to disrupt RNA splicing. Variants that disrupt the donor or acceptor splice site typically lead to a loss of protein function (PMID: 16199547), and loss-of-function variants in LAMB3 are known to be pathogenic (PMID: 11023379, 16473856). This variant is present in population databases (rs778026407, gnomAD 0.003%). Disruption of this splice site has been observed in individuals with junctional epidermolysis bullosa (PMID: 11810295, 27480391). ClinVar contains an entry for this variant (Variation ID: 839926). Algorithms developed to predict the effect of sequence changes on RNA splicing suggest that this variant may disrupt the consensus splice site. For these reasons, this variant has been classified as Pathogenic.

Fulgent Genetics
Classification: Pathogenic for Amelogenesis imperfecta type 1A; Junctional epidermolysis bullosa, non-Herlitz type; Junctional epidermolysis bullosa gravis of Herlitz. Last evaluated: 2024-02-20. Review status: criteria provided, single submitter. Criteria: ACMG Guidelines, 2015. Collection method: clinical testing. Allele origin: germline.

Women's Health and Genetics/Laboratory Corporation of America, LabCorp
Classification: Pathogenic for Junctional epidermolysis bullosa. Last evaluated: 2021-10-01. Review status: criteria provided, single submitter. Criteria: LabCorp Variant Classification Summary - May 2015. Collection method: clinical testing. Allele origin: germline.
Comment: Variant summary: LAMB3 c.3228+1G>A is located in a canonical splice-site and is predicted to affect mRNA splicing resulting in a significantly altered protein due to either exon skipping, shortening, or inclusion of intronic material. At least one publication reports experimental evidence that this variant affects mRNA splicing (Fuentes_2017). The variant allele was found at a frequency of 4e-06 in 251014 control chromosomes. c.3228+1G>A has been reported in the literature in multiple individuals affected with Junctional Epidermolysis Bullosa (Fuentes_2017, Nakano_2002). These data indicate that the variant is very likely to be associated with disease. One clinical diagnostic laboratory has submitted clinical-significance assessments for this variant to ClinVar after 2014 without evidence for independent evaluation. One laboratory classified the variant as pathogenic. Based on the evidence outlined above, the variant was classified as pathogenic.

Literature cited by the submitters: PubMed 16199547 (cited by Labcorp Genetics (formerly Invitae), Labcorp); PubMed 11023379 (cited by Labcorp Genetics (formerly Invitae), Labcorp); PubMed 16473856 (cited by Labcorp Genetics (formerly Invitae), Labcorp); PubMed 11810295 (cited by Labcorp Genetics (formerly Invitae), Labcorp and Women's Health and Genetics/Laboratory Corporation of America, LabCorp); PubMed 27480391 (cited by Labcorp Genetics (formerly Invitae), Labcorp and Women's Health and Genetics/Laboratory Corporation of America, LabCorp).

NM_000228.3(LAMB3):c.3228+1G>A

Gene: LAMB3 (laminin subunit beta 3; minus strand). Cytogenetic location: 1q32.2.
Variant type: single nucleotide variant.
Coding change: c.3228+1G>A on transcript NM_000228.3 (MANE Select); the canonical splice donor site of the intron after coding-DNA position 3228, G replaced by A.
Molecular consequence: splice donor variant.
Genome position (GRCh38, 1-based): chr1:209,617,409, C>T on the plus strand (G>A on the coding strand, the complement: LAMB3 is on the minus strand). VCF-style: chr1-209617409-C-T. GRCh37 (hg19) VCF-style: chr1-209790754-C-T.
Other names: c.3228+1G>A (NM_001127641.1, NM_001017402.2).
Identifiers: ClinVar variation 839926 (VCV000839926.12), dbSNP rs778026407, ClinGen allele CA1374946.